The following is an entry in ClinVar:

ClinVar aggregate classification (germline): Uncertain significance (1 of 4 stars; one submission).

Allele frequency attached by ClinVar (database versions not stated): gnomAD exomes below 0.00001; gnomAD 0.00001.
gnomAD v4.1: 5 of 1,608,894 alleles (0.00031%); highest among the groups gnomAD compares: East Asian, 0.0089%; no homozygotes.

Submission:

Labcorp Genetics (formerly Invitae), Labcorp
Classification: Uncertain significance. Last evaluated: 2021-06-22. Review status: criteria provided, single submitter. Criteria: Invitae Variant Classification Sherloc (09022015). Collection method: clinical testing. Allele origin: germline.
Comment: This variant has not been reported in the literature in individuals affected with CLUAP1-related conditions. Algorithms developed to predict the effect of missense changes on protein structure and function are either unavailable or do not agree on the potential impact of this missense change (SIFT: "Deleterious"; PolyPhen-2: "Benign"; Align-GVGD: "Class C0"). In summary, the available evidence is currently insufficient to determine the role of this variant in disease. Therefore, it has been classified as a Variant of Uncertain Significance. This variant is not present in population databases (ExAC no frequency). This sequence change replaces cysteine with arginine at codon 240 of the CLUAP1 protein (p.Cys240Arg). The cysteine residue is weakly conserved and there is a large physicochemical difference between cysteine and arginine.

NM_015041.3(CLUAP1):c.718T>C (p.Cys240Arg)

Gene: CLUAP1 (clusterin associated protein 1; plus strand). Cytogenetic location: 16p13.3.
Variant type: single nucleotide variant.
Coding change: c.718T>C on transcript NM_015041.3 (MANE Select); coding-DNA position 718, T replaced by C.
Protein change: p.Cys240Arg; replaces cysteine 240 with arginine.
Molecular consequence: missense variant.
Genome position (GRCh38, 1-based): chr16:3,523,162, T>C. VCF-style: chr16-3523162-T-C. GRCh37 (hg19) VCF-style: chr16-3573162-T-C.
Other names: c.718T>C, p.Cys240Arg (NM_001330454.2); c.220T>C, p.Cys74Arg (NM_024793.3); short protein forms C74R, C240R.
Identifiers: ClinVar variation 1475890 (VCV001475890.8), dbSNP rs529162541, ClinGen allele CA276937098.